The following is an entry in ClinVar:

ClinVar aggregate classification (germline): Uncertain significance (1 of 4 stars; one submission).

Conditions:
Brugada syndrome. Also called: Sudden unexpected nocturnal death syndrome; Sudden unexplained nocturnal death syndrome; Sudden Unexplained Death Syndrome; Sudden Unexplained Nocturnal Death Syndrome (SUNDS). Identifiers: Orphanet 130, MedGen C1142166, MONDO:0015263.

Submission:

Labcorp Genetics (formerly Invitae), Labcorp
Classification: Uncertain significance for Brugada syndrome. Last evaluated: 2025-07-20. Review status: criteria provided, single submitter. Criteria: Invitae Variant Classification Sherloc (09022015). Collection method: clinical testing. Allele origin: germline.
Comment: This sequence change replaces leucine, which is neutral and non-polar, with serine, which is neutral and polar, at codon 436 of the CACNA2D1 protein (p.Leu436Ser). This variant is not present in population databases (gnomAD no frequency). This variant has not been reported in the literature in individuals affected with CACNA2D1-related conditions. An algorithm developed to predict the effect of missense changes on protein structure and function (PolyPhen-2) suggests that this variant is likely to be disruptive. In summary, the available evidence is currently insufficient to determine the role of this variant in disease. Therefore, it has been classified as a Variant of Uncertain Significance.

NM_000722.4(CACNA2D1):c.1307T>C (p.Leu436Ser)

Genes: CACNA2D1-AS1 (CACNA2D1 antisense RNA 1; plus strand), CACNA2D1 (calcium voltage-gated channel auxiliary subunit alpha2delta 1; minus strand). Cytogenetic location: 7q21.11.
Variant type: single nucleotide variant.
Coding change: c.1307T>C on transcript NM_000722.4 (MANE Select); coding-DNA position 1307, T replaced by C.
Protein change: p.Leu436Ser; replaces leucine 436 with serine.
Molecular consequence: missense variant.
Genome position (GRCh38, 1-based): chr7:82,012,209, A>G on the plus strand (T>C on the coding strand, the complement: CACNA2D1 is on the minus strand). VCF-style: chr7-82012209-A-G. GRCh37 (hg19) VCF-style: chr7-81641525-A-G.
Other names: c.1307T>C, p.Leu436Ser (NM_001366867.1); short protein forms L436S.
Identifiers: ClinVar variation 4804529 (VCV004804529.1).